The following is an entry in ClinVar:

NM_032326.4(TMEM175):c.1362C>G (p.Ala454=)

Gene: TMEM175 (transmembrane protein 175; plus strand). Cytogenetic location: 4p16.3.
Variant type: single nucleotide variant.
Coding change: c.1362C>G on transcript NM_032326.4 (MANE Select); coding-DNA position 1362, C replaced by G.
Protein change: p.Ala454=; no amino-acid change (alanine 454 retained).
Molecular consequence: synonymous variant.
Genome position (GRCh38, 1-based): chr4:958,343, C>G. VCF-style: chr4-958343-C-G. GRCh37 (hg19) VCF-style: chr4-952131-C-G.
Other names: c.1116C>G, p.Ala372= (NM_001297423.2, NM_001297424.2, NM_001297425.2); c.1014C>G, p.Ala338= (NM_001297426.2, NM_001297427.2, NM_001297428.2).
Identifiers: ClinVar variation 2654532 (VCV002654532.24), dbSNP rs368509864, ClinGen allele CA91125657.

ClinVar aggregate classification (germline): Likely benign (1 of 4 stars; one submission).

gnomAD v4.1: 5 of 1,604,350 alleles (0.00031%); highest among the groups gnomAD compares: South Asian, 0.0011%; no homozygotes.

Submission:

CeGaT Center for Human Genetics Tuebingen
Classification: Likely benign. Last evaluated: 2022-07-01. Review status: criteria provided, single submitter. Criteria: CeGaT Center For Human Genetics Tuebingen Variant Classification Criteria Version 2. Collection method: clinical testing. Allele origin: germline. Affected: yes. Observed: 1 variant allele.
Comment: TMEM175: BP4, BP7